The following is an entry in ClinVar:

NM_001916.5(CYC1):c.35T>C (p.Val12Ala)

Gene: CYC1 (cytochrome c1; plus strand). Cytogenetic location: 8q24.3.
Variant type: single nucleotide variant.
Coding change: c.35T>C on transcript NM_001916.5 (MANE Select); coding-DNA position 35, T replaced by C.
Protein change: p.Val12Ala; replaces valine 12 with alanine.
Molecular consequence: missense variant.
Genome position (GRCh38, 1-based): chr8:144,095,134, T>C. VCF-style: chr8-144095134-T-C. GRCh37 (hg19) VCF-style: chr8-145150037-T-C.
Other names: c.35T>C (NM_001916.3); short protein forms V12A.
Identifiers: ClinVar variation 1215351 (VCV001215351.6), dbSNP rs1013518261, ClinGen allele CA187615466.

ClinVar aggregate classification (germline): Uncertain significance. Review status: criteria provided, multiple submitters, no conflicts (2 of 4 stars). 3 submissions from 3 submitters: Uncertain significance (3). Last evaluated 2024-12-09.

Allele frequency attached by ClinVar (database versions not stated): gnomAD 0.00003 and 0.00004; TOPMed 0.00005; gnomAD exomes 0.00011.

Submissions (3):

Labcorp Genetics (formerly Invitae), Labcorp
Classification: Uncertain significance. Last evaluated: 2024-12-09. Review status: criteria provided, single submitter. Criteria: Invitae Variant Classification Sherloc (09022015). Collection method: clinical testing. Allele origin: germline.
Comment: This sequence change replaces valine, which is neutral and non-polar, with alanine, which is neutral and non-polar, at codon 12 of the CYC1 protein (p.Val12Ala). This variant is present in population databases (no rsID available, gnomAD 0.01%). This variant has not been reported in the literature in individuals affected with CYC1-related conditions. ClinVar contains an entry for this variant (Variation ID: 1215351). An algorithm developed to predict the effect of missense changes on protein structure and function (PolyPhen-2) suggests that this variant¬¨‚Ä†is likely to be tolerated. In summary, the available evidence is currently insufficient to determine the role of this variant in disease. Therefore, it has been classified as a Variant of Uncertain Significance.

Ambry Genetics
Classification: Uncertain significance. Last evaluated: 2024-01-08. Review status: criteria provided, single submitter. Criteria: Ambry Variant Classification Scheme 2023. Collection method: clinical testing. Allele origin: germline.

GeneDx
Classification: Uncertain significance. Last evaluated: 2020-01-02. Review status: criteria provided, single submitter. Criteria: GeneDx Variant Classification Process June 2021. Collection method: clinical testing. Allele origin: germline. Affected: yes.
Comment: Not observed at a significant frequency in large population cohorts (Lek et al., 2016); In silico analysis, which includes protein predictors and evolutionary conservation, supports that this variant does not alter protein structure/function; Has not been previously published as pathogenic or benign to our knowledge